The following is an entry in ClinVar:

NM_152703.5(SAMD9L):c.2485T>C (p.Tyr829His)

Gene: SAMD9L (sterile alpha motif domain containing 9 like; minus strand). Cytogenetic location: 7q21.2.
Variant type: single nucleotide variant.
Coding change: c.2485T>C on transcript NM_152703.5 (MANE Select); coding-DNA position 2485, T replaced by C.
Protein change: p.Tyr829His; replaces tyrosine 829 with histidine.
Molecular consequence: missense variant.
Genome position (GRCh38, 1-based): chr7:93,133,487, A>G on the plus strand (T>C on the coding strand, the complement: SAMD9L is on the minus strand). VCF-style: chr7-93133487-A-G. GRCh37 (hg19) VCF-style: chr7-92762800-A-G.
Other names: c.2485T>C, p.Tyr829His (NM_001303496.3, NM_001303497.3, NM_001303498.3 and 5 more transcripts); short protein forms Y829H.
Identifiers: ClinVar variation 4159358 (VCV004159358.1).

ClinVar aggregate classification (germline): Uncertain significance (1 of 4 stars; one submission).

Conditions:
Inborn genetic diseases. Identifiers: MedGen C0950123, MeSH D030342.

Submission:

Ambry Genetics
Classification: Uncertain significance for Inborn genetic diseases. Last evaluated: 2025-07-28. Review status: criteria provided, single submitter. Criteria: Ambry Variant Classification Scheme 2023. Collection method: clinical testing. Allele origin: germline.
Comment: The p.Y829H variant (also known as c.2485T>C), located in coding exon 1 of the SAMD9L gene, results from a T to C substitution at nucleotide position 2485. The tyrosine at codon 829 is replaced by histidine, an amino acid with similar properties. This amino acid position is conserved. In addition, the in silico prediction for this alteration is inconclusive. Based on the available evidence, the clinical significance of this variant remains unclear.